The following is an entry in ClinVar:

ClinVar aggregate classification (germline): Uncertain significance (1 of 4 stars; one submission).

Submission:

Labcorp Genetics (formerly Invitae), Labcorp
Classification: Uncertain significance. Last evaluated: 2022-06-04. Review status: criteria provided, single submitter. Criteria: Invitae Variant Classification Sherloc (09022015). Collection method: clinical testing. Allele origin: germline.
Comment: This variant has not been reported in the literature in individuals affected with IMPAD1-related conditions. This variant is not present in population databases (gnomAD no frequency). This sequence change replaces asparagine, which is neutral and polar, with aspartic acid, which is acidic and polar, at codon 225 of the IMPAD1 protein (p.Asn225Asp). Algorithms developed to predict the effect of missense changes on protein structure and function are either unavailable or do not agree on the potential impact of this missense change (SIFT: "Tolerated"; PolyPhen-2: "Possibly Damaging"; Align-GVGD: "Class C0"). In summary, the available evidence is currently insufficient to determine the role of this variant in disease. Therefore, it has been classified as a Variant of Uncertain Significance.

NM_017813.5(BPNT2):c.673A>G (p.Asn225Asp)

Gene: BPNT2 (3'(2'), 5'-bisphosphate nucleotidase 2; minus strand). Cytogenetic location: 8q12.1.
Variant type: single nucleotide variant.
Coding change: c.673A>G on transcript NM_017813.5 (MANE Select); coding-DNA position 673, A replaced by G.
Protein change: p.Asn225Asp; replaces asparagine 225 with aspartic acid.
Molecular consequence: missense variant.
Genome position (GRCh38, 1-based): chr8:56,966,326, T>C on the plus strand (A>G on the coding strand, the complement: BPNT2 is on the minus strand). VCF-style: chr8-56966326-T-C. GRCh37 (hg19) VCF-style: chr8-57878885-T-C.
Other names: short protein forms N225D.
Identifiers: ClinVar variation 2067423 (VCV002067423.4), dbSNP rs2487083068, ClinGen allele CA371387639.